The following is an entry in ClinVar:

NM_001267550.2(TTN):c.70748C>T (p.Thr23583Ile)

Genes: TTN (titin; minus strand), TTN-AS1 (TTN antisense RNA 1; plus strand). Cytogenetic location: 2q31.2.
Variant type: single nucleotide variant.
Coding change: c.70748C>T on transcript NM_001267550.2 (MANE Select); coding-DNA position 70748, C replaced by T.
Protein change: p.Thr23583Ile; replaces threonine 23583 with isoleucine.
Molecular consequence: missense variant.
Genome position (GRCh38, 1-based): chr2:178,575,384, G>A on the plus strand (C>T on the coding strand, the complement: TTN is on the minus strand). VCF-style: chr2-178575384-G-A. GRCh37 (hg19) VCF-style: chr2-179440111-G-A.
Other names: c.65825C>T, p.Thr21942Ile (NM_001256850.1); c.43553C>T, p.Thr14518Ile (NM_003319.4); c.63044C>T, p.Thr21015Ile (NM_133378.4); c.43928C>T, p.Thr14643Ile (NM_133432.3); c.44129C>T, p.Thr14710Ile (NM_133437.4); short protein forms T23583I, T14518I, T21015I, T14643I, T14710I, T21942I.
Identifiers: ClinVar variation 467435 (VCV000467435.4), dbSNP rs397517687, ClinGen allele CA349661436.

ClinVar aggregate classification (germline): Uncertain significance. Review status: criteria provided, multiple submitters, no conflicts (2 of 4 stars). 2 submissions from 2 submitters: Uncertain significance (2). Last evaluated 2021-03-15.

Conditions:
Autosomal recessive limb-girdle muscular dystrophy type 2J (LGMDR10). Also called: Limb-girdle muscular dystrophy, type 2J; MUSCULAR DYSTROPHY, LIMB-GIRDLE, AUTOSOMAL RECESSIVE 10. Identifiers: Orphanet 140922, MedGen C1837342, MONDO:0012127, OMIM 608807.
Dilated cardiomyopathy 1G (CMD1G). Identifiers: Orphanet 154, MedGen C1858763, MONDO:0011400, OMIM 604145.

gnomAD v4.1: 1 of 1,613,634 alleles (0.000062%); no homozygotes.

Submissions (2):

Women's Health and Genetics/Laboratory Corporation of America, LabCorp
Classification: Uncertain significance. Last evaluated: 2021-03-15. Review status: criteria provided, single submitter. Criteria: LabCorp Variant Classification Summary - May 2015. Collection method: clinical testing. Allele origin: germline.
Comment: Variant summary: TTN c.63044C>T (p.Thr21015Ile) results in a non-conservative amino acid change located in the A-band region of the encoded protein sequence. Three of five in-silico tools predict a damaging effect of the variant on protein function. The variant was absent in 248534 control chromosomes (gnomAD). The available data on variant occurrences in the general population are insufficient to allow any conclusion about variant significance. To our knowledge, no occurrence of c.63044C>T in individuals affected with Dilated Cardiomyopathy and no experimental evidence demonstrating its impact on protein function have been reported. One clinical diagnostic laboratory has submitted clinical-significance assessments for this variant to ClinVar after 2014 without evidence for independent evaluation, and classified the variant as uncertain significance. Based on the evidence outlined above, the variant was classified as uncertain significance.

Labcorp Genetics (formerly Invitae), Labcorp
Classification: Uncertain significance for Dilated cardiomyopathy 1G; Autosomal recessive limb-girdle muscular dystrophy type 2J. Last evaluated: 2017-06-12. Review status: criteria provided, single submitter. Criteria: Invitae Variant Classification Sherloc (09022015). Collection method: clinical testing. Allele origin: germline.